The following is an entry in ClinVar:

ClinVar aggregate classification (germline): Uncertain significance (1 of 4 stars; one submission).

Allele frequency attached by ClinVar (database versions not stated): TOPMed below 0.00001; gnomAD 0.00001; gnomAD exomes 0.00001 and 0.00002; ExAC 0.00002.
gnomAD v4.1: 29 of 1,592,542 alleles (0.0018%); highest among the groups gnomAD compares: South Asian, 0.0023%; no homozygotes.

Submission:

Labcorp Genetics (formerly Invitae), Labcorp
Classification: Uncertain significance. Last evaluated: 2025-08-24. Review status: criteria provided, single submitter. Criteria: Invitae Variant Classification Sherloc (09022015). Collection method: clinical testing. Allele origin: germline.
Comment: This sequence change replaces glutamine, which is neutral and polar, with arginine, which is basic and polar, at codon 1318 of the RIMS1 protein (p.Gln1318Arg). This variant is present in population databases (rs745512624, gnomAD 0.008%). This variant has not been reported in the literature in individuals affected with RIMS1-related conditions. ClinVar contains an entry for this variant (Variation ID: 1022797). An algorithm developed to predict the effect of missense changes on protein structure and function (PolyPhen-2) suggests that this variant is likely to be disruptive. In summary, the available evidence is currently insufficient to determine the role of this variant in disease. Therefore, it has been classified as a Variant of Uncertain Significance.

NM_014989.7(RIMS1):c.3953A>G (p.Gln1318Arg)

Gene: RIMS1 (regulating synaptic membrane exocytosis 1; plus strand). Cytogenetic location: 6q13.
Variant type: single nucleotide variant.
Coding change: c.3953A>G on transcript NM_014989.7 (MANE Select); coding-DNA position 3953, A replaced by G.
Protein change: p.Gln1318Arg; replaces glutamine 1318 with arginine.
Molecular consequence: missense variant. On other transcripts: intron variant (24).
Genome position (GRCh38, 1-based): chr6:72,307,360, A>G. VCF-style: chr6-72307360-A-G. GRCh37 (hg19) VCF-style: chr6-73017063-A-G.
Other names: c.1913A>G, p.Gln638Arg (NM_001168407.2); c.1874A>G, p.Gln625Arg (NM_001350414.2); c.1997A>G, p.Gln666Arg (NM_001350415.2); c.1946A>G, p.Gln649Arg (NM_001350416.2); c.1919A>G, p.Gln640Arg (NM_001350418.2); c.2027A>G, p.Gln676Arg (NM_001350420.2); c.1772A>G, p.Gln591Arg (NM_001350421.2); c.1688A>G, p.Gln563Arg (NM_001350423.2, NM_001350444.2); and 51 more; short protein forms Q1318R, Q482R, Q507R, Q533R, Q534R, Q544R, Q549R, Q557R.
Identifiers: ClinVar variation 1022797 (VCV001022797.6), dbSNP rs745512624, ClinGen allele CA3886401.